The following is an entry in ClinVar:

ClinVar aggregate classification (germline): Pathogenic (0 of 4 stars; one submission).

Submission:

GenMed Metabolism Lab
Classification: Pathogenic. Review status: no assertion criteria provided. Collection method: not provided. Allele origin: unknown.
Comment: p.Ala102Glu, Neonatal
ClinVar note: Converted during submission from pathogenic to Pathogenic.

NM_000531.6(OTC):c.305C>A (p.Ala102Glu)

Gene: OTC (ornithine transcarbamylase; plus strand). Cytogenetic location: Xp11.4.
Variant type: single nucleotide variant.
Coding change: c.305C>A on transcript NM_000531.6 (MANE Select); coding-DNA position 305, C replaced by A.
Protein change: p.Ala102Glu; replaces alanine 102 with glutamic acid.
Molecular consequence: missense variant.
Genome position (GRCh38, 1-based): chrX:38,381,348, C>A. VCF-style: chrX-38381348-C-A. GRCh37 (hg19) VCF-style: chrX-38240601-C-A.
Other names: short protein forms A102E.
Identifiers: ClinVar variation 97165 (VCV000097165.2), dbSNP rs72554350, ClinGen allele CA224549.